The following is an entry in ClinVar:

NM_004360.5(CDH1):c.2276G>C (p.Gly759Ala)

Gene: CDH1 (cadherin 1; plus strand). Cytogenetic location: 16q22.1.
Variant type: single nucleotide variant.
Coding change: c.2276G>C on transcript NM_004360.5 (MANE Select); coding-DNA position 2276, G replaced by C.
Protein change: p.Gly759Ala; replaces glycine 759 with alanine.
Molecular consequence: missense variant.
Genome position (GRCh38, 1-based): chr16:68,828,285, G>C. VCF-style: chr16-68828285-G-C. GRCh37 (hg19) VCF-style: chr16-68862188-G-C.
Other names: c.2276G>C (LRG_301t1, NM_004360.4); c.2093G>C, p.Gly698Ala (NM_001317184.2); c.728G>C, p.Gly243Ala (NM_001317185.2); c.311G>C, p.Gly104Ala (NM_001317186.2); short protein forms G759A, G104A, G243A, G698A.
Identifiers: ClinVar variation 485471 (VCV000485471.23), dbSNP rs945866627, ClinGen allele CA283314881.
Genomic context (GRCh38, chr16:68,828,285, plus strand): 5'-AGCCCTTACTGCCCCCAGAGGATGACACCCGGGACAACGTTTATTACTATGATGAAGAAG[G>C]AGGCGGAGAAGAGGACCAGGTGGGTTTTGAAAACCTTGGTAGCTCAGTGGTGATCTCTTT-3'
Protein context (NP_004351.1, residues 749-769): RDNVYYYDEE[Gly759Ala]GGEEDQDFDL

ClinVar aggregate classification (germline): Conflicting classifications of pathogenicity. Review status: criteria provided, conflicting classifications (1 of 4 stars). 5 submissions from 5 submitters: Likely pathogenic (4); Uncertain significance (1). Last evaluated 2025-11-05.

Conditions:
Hereditary cancer-predisposing syndrome. Also called: Hereditary neoplastic syndrome; Neoplastic Syndromes, Hereditary; Tumor predisposition; Hereditary Cancer Syndrome. Identifiers: Orphanet 140162, MedGen C0027672, MeSH D009386, MONDO:0015356.
Hereditary diffuse gastric adenocarcinoma (HDGC). Also called: DIFFUSE GASTRIC AND LOBULAR BREAST CANCER SYNDROME. Identifiers: Orphanet 26106, MedGen C1708349, MONDO:0007648, OMIM 137215.

Allele frequency attached by ClinVar (database versions not stated): gnomAD exomes below 0.00001; TOPMed below 0.00001.

Submissions (5):

Labcorp Genetics (formerly Invitae), Labcorp
Classification: Likely pathogenic for Hereditary diffuse gastric adenocarcinoma. Last evaluated: 2025-11-05. Review status: criteria provided, single submitter. Criteria: Invitae Variant Classification Sherloc (09022015). Collection method: clinical testing. Allele origin: germline.
Comment: This sequence change replaces glycine, which is neutral and non-polar, with alanine, which is neutral and non-polar, at codon 759 of the CDH1 protein (p.Gly759Ala). This variant is present in population databases (no rsID available, gnomAD 0.003%). This missense change has been observed in individuals with gastric cancer (PMID: 32269045; internal data). ClinVar contains an entry for this variant (Variation ID: 485471). An algorithm developed to predict the effect of missense changes on protein structure and function (PolyPhen-2) suggests that this variant is likely to be disruptive. In summary, the currently available evidence indicates that the variant is pathogenic, but additional data are needed to prove that conclusively. Therefore, this variant has been classified as Likely Pathogenic.

Quest Diagnostics Nichols Institute San Juan Capistrano
Classification: Likely pathogenic. Last evaluated: 2025-10-27. Review status: criteria provided, single submitter. Criteria: Quest Diagnostics criteria. Collection method: clinical testing. Allele origin: unknown.
Comment: The CDH1 c.2276G>C (p.Gly759Ala) variant has been reported in the published literature in an individual with early onset gastric cancer (PMID: 32269045 (2020)). The frequency of this variant in the general population (Genome Aggregation Database) is consistent with pathogenicity. Analysis of this variant using bioinformatics tools for the prediction of the effect of amino acid changes on protein structure and function yielded predictions that this variant is damaging. Based on the available information, this variant is classified as likely pathogenic.

Ambry Genetics
Classification: Likely pathogenic for Hereditary cancer-predisposing syndrome. Last evaluated: 2025-09-08. Review status: criteria provided, single submitter. Criteria: Ambry Variant Classification Scheme 2023. Collection method: clinical testing. Allele origin: germline.
Comment: The p.G759A variant (also known as c.2276G>C), located in coding exon 14 of the CDH1 gene, results from a G to C substitution at nucleotide position 2276. The glycine at codon 759 is replaced by alanine, an amino acid with similar properties. This variant was observed in multiple individuals with features consistent with CDH1-related diffuse gastric cancer (Wang SC et al. Cancer Res, 2020 06;80:2114-2124; external communications). Based on internal structural analysis this variant sits at the interface between proteins and is anticipated to result in a significant decrease in structural stability (Ambry internal data). This amino acid position is highly conserved in available vertebrate species. In addition, the in silico prediction for this alteration is inconclusive. Based on the majority of available evidence to date, this variant is likely to be pathogenic.

Revvity Omics, Revvity
Classification: Uncertain significance. Last evaluated: 2025-06-10. Review status: criteria provided, single submitter. Criteria: ACMG Guidelines, 2015. Collection method: clinical testing. Allele origin: germline.

GeneDx
Classification: Likely pathogenic. Last evaluated: 2023-07-13. Review status: criteria provided, single submitter. Criteria: GeneDx Variant Classification Process June 2021. Collection method: clinical testing. Allele origin: germline. Affected: yes.
Comment: Not observed at significant frequency in large population cohorts (gnomAD); In silico analysis supports that this missense variant has a deleterious effect on protein structure/function; This variant is associated with the following publications: (PMID: 15235021, 22850631, 32269045)

Literature cited by the submitters: PubMed 32269045 (cited by 3 submitters).